The following is an entry in ClinVar:

NM_001393769.1(MED12L):c.3613A>G (p.Ser1205Gly)

Genes: MED12L (mediator complex subunit 12L; plus strand), P2RY12 (purinergic receptor P2Y12; minus strand). Cytogenetic location: 3q25.1.
Variant type: single nucleotide variant.
Coding change: c.3613A>G on transcript NM_001393769.1 (MANE Select); coding-DNA position 3613, A replaced by G.
Protein change: p.Ser1205Gly; replaces serine 1205 with glycine.
Molecular consequence: missense variant. On other transcripts: intron variant (1).
Genome position (GRCh38, 1-based): chr3:151,369,498, A>G. VCF-style: chr3-151369498-A-G. GRCh37 (hg19) VCF-style: chr3-151087286-A-G.
Other names: c.3508A>G, p.Ser1170Gly (NM_053002.6); c.-180+15194T>C (NM_022788.5); short protein forms S1170G, S1205G.
Identifiers: ClinVar variation 4975301 (VCV004975301.1).

ClinVar aggregate classification (germline): Uncertain significance (1 of 4 stars; one submission).

gnomAD v4.1: 1 of 1,612,260 alleles (0.000062%); highest among the groups gnomAD compares: African/African-American, 0.0013%; no homozygotes.

Submission:

GeneDx
Classification: Uncertain significance. Last evaluated: 2026-01-27. Review status: criteria provided, single submitter. Criteria: GeneDx Variant Classification Process June 2021. Collection method: clinical testing. Allele origin: germline.
Comment: Not observed at significant frequency in large population cohorts (gnomAD); In silico analysis suggests that this missense variant does not alter protein structure/function; Has not been previously published as pathogenic or benign to our knowledge